The following is an entry in ClinVar:

ClinVar aggregate classification (germline): Uncertain significance. Review status: criteria provided, multiple submitters, no conflicts (2 of 4 stars). 3 submissions from 3 submitters: Uncertain significance (3). Last evaluated 2025-06-29.

Conditions:
Inborn genetic diseases. Identifiers: MedGen C0950123, MeSH D030342.
Hereditary spastic paraplegia 50 (SPG50). Also called: Spastic paraplegia 50, autosomal recessive. Identifiers: Orphanet 280763, MedGen C2752008, MONDO:0013048, OMIM 612936.
AP4M1-related disorder. Also called: AP4M1-related condition.

Submissions (3):

Ambry Genetics
Classification: Uncertain significance for Inborn genetic diseases. Last evaluated: 2025-06-29. Review status: criteria provided, single submitter. Criteria: Ambry Variant Classification Scheme 2023. Collection method: clinical testing. Allele origin: germline.

PreventionGenetics, part of Exact Sciences
Classification: Uncertain significance for AP4M1-related condition. Last evaluated: 2024-12-15. Review status: criteria provided, single submitter. Criteria: ACMG Guidelines, 2015. Collection method: clinical testing. Allele origin: germline.
Comment: The AP4M1 c.781C>G variant is predicted to result in the amino acid substitution p.Leu261Val. To our knowledge, this variant has not been reported in the literature. This variant is reported in 0.017% of alleles in individuals of Latino descent in gnomAD. At this time, the clinical significance of this variant is uncertain due to the absence of conclusive functional and genetic evidence.

Labcorp Genetics (formerly Invitae), Labcorp
Classification: Uncertain significance for Hereditary spastic paraplegia 50. Last evaluated: 2024-10-28. Review status: criteria provided, single submitter. Criteria: Invitae Variant Classification Sherloc (09022015). Collection method: clinical testing. Allele origin: germline.
Comment: This sequence change replaces leucine, which is neutral and non-polar, with valine, which is neutral and non-polar, at codon 261 of the AP4M1 protein (p.Leu261Val). This variant is present in population databases (rs762126791, gnomAD 0.02%). This variant has not been reported in the literature in individuals affected with AP4M1-related conditions. ClinVar contains an entry for this variant (Variation ID: 1983958). Invitae Evidence Modeling of protein sequence and biophysical properties (such as structural, functional, and spatial information, amino acid conservation, physicochemical variation, residue mobility, and thermodynamic stability) has been performed for this missense variant. However, the output from this modeling did not meet the statistical confidence thresholds required to predict the impact of this variant on AP4M1 protein function. In summary, the available evidence is currently insufficient to determine the role of this variant in disease. Therefore, it has been classified as a Variant of Uncertain Significance.

NM_004722.4(AP4M1):c.781C>G (p.Leu261Val)

Gene: AP4M1 (adaptor related protein complex 4 subunit mu 1; plus strand). Cytogenetic location: 7q22.1.
Variant type: single nucleotide variant.
Coding change: c.781C>G on transcript NM_004722.4 (MANE Select); coding-DNA position 781, C replaced by G.
Protein change: p.Leu261Val; replaces leucine 261 with valine.
Molecular consequence: missense variant.
Genome position (GRCh38, 1-based): chr7:100,105,293, C>G. VCF-style: chr7-100105293-C-G. GRCh37 (hg19) VCF-style: chr7-99702916-C-G.
Other names: c.802C>G, p.Leu268Val (NM_001363671.2); c.781C>G (NM_004722.3); short protein forms L268V, L261V.
Identifiers: ClinVar variation 1983958 (VCV001983958.6), dbSNP rs762126791, ClinGen allele CA4374796.
Genomic context (GRCh38, chr7:100,105,293, plus strand): 5'-TTTCCAGGTTATGGGCCAGGAATCCGGGTCGATGAAGTCTCGTTTCACAGCTCTGTGAAT[C>G]TGGACGAATTTGAGTCTCATCGAATCCTCCGCTTGCAACCACCTCAGGGCGAGGTCAGGG-3'
Protein context (NP_004713.2, residues 251-271): DEVSFHSSVN[Leu261Val]DEFESHRILR